The following is an entry in ClinVar:

ClinVar aggregate classification (germline): Likely benign (1 of 4 stars; one submission).

Conditions:
Familial cancer of breast. Also called: hereditary breast carcinoma; Hereditary breast cancer; BREAST CANCER, FAMILIAL. Identifiers: Orphanet 227535, MedGen C0346153, MONDO:0016419, OMIM 114480. Disease mechanism: loss of function.

Submission:

Myriad Genetics, Inc.
Classification: Likely benign for Familial cancer of breast. Last evaluated: 2024-07-19. Review status: criteria provided, single submitter. Criteria: Myriad Autosomal Dominant, Autosomal Recessive and X-Linked Classification Criteria (2023). Collection method: clinical testing. Allele origin: unknown.
Comment: This variant is considered likely benign. This variant is intronic and is not expected to impact mRNA splicing.

NM_000465.4(BARD1):c.216-5T>C

Gene: BARD1 (BRCA1 associated RING domain 1; minus strand). Cytogenetic location: 2q35.
Variant type: single nucleotide variant.
Coding change: c.216-5T>C on transcript NM_000465.4 (MANE Select); 5 bases into the intron before coding-DNA position 216, T replaced by C.
Molecular consequence: intron variant.
Genome position (GRCh38, 1-based): chr2:214,792,450, A>G on the plus strand (T>C on the coding strand, the complement: BARD1 is on the minus strand). VCF-style: chr2-214792450-A-G. GRCh37 (hg19) VCF-style: chr2-215657174-A-G.
Other names: c.158+16962T>C (NM_001282548.2); c.159-5T>C (NM_001282543.2); c.215+4611T>C (NM_001282545.2); c.216-5T>C (NM_001282549.2).
Identifiers: ClinVar variation 3378577 (VCV003378577.1).
Genomic context (GRCh38, chr2:214,792,450, plus strand): 5'-AGGCCGGGGTGTAACACACTGGACATCCAGTTCCAATGCAGTCACTTACACAATTACTTT[A>G]AAATAATTAAAAAAAAAAAAAAAAGCAACCCATTCAGCAGAATTTAATTCCAAAAACTAA-3'